The following is an entry in ClinVar:

NM_012250.6(RRAS2):c.519G>A (p.Arg173=)

Gene: RRAS2 (RAS related 2; minus strand). Cytogenetic location: 11p15.2.
Variant type: single nucleotide variant.
Coding change: c.519G>A on transcript NM_012250.6 (MANE Select); coding-DNA position 519, G replaced by A.
Protein change: p.Arg173=; no amino-acid change (arginine 173 retained).
Molecular consequence: synonymous variant.
Genome position (GRCh38, 1-based): chr11:14,281,610, C>T on the plus strand (G>A on the coding strand, the complement: RRAS2 is on the minus strand). VCF-style: chr11-14281610-C-T. GRCh37 (hg19) VCF-style: chr11-14303156-C-T.
Other names: c.288G>A, p.Arg96= (NM_001102669.3, NM_001177315.2); c.414G>A, p.Arg138= (NM_001177314.2).
Identifiers: ClinVar variation 3389571 (VCV003389571.15).
Genomic context (GRCh38, chr11:14,281,610, plus strand): 5'-AACATTTAATAGTAATTTATTAAAACACACATCTAGAATGTGTTTTGCTTACCTGATAAC[C>T]CGGACAAGTTCATGGAAAGCTTGATCTACATTCATCCTAATCTTTGCTGATGCCTCCATG-3'
Protein context (NP_036382.2, residues 163-183): NVDQAFHELV[Arg173=]VIRKFQEQEC

ClinVar aggregate classification (germline): Likely benign. Review status: criteria provided, multiple submitters, no conflicts (2 of 4 stars). 2 submissions from 2 submitters: Likely benign (2). Last evaluated 2025-10-09.

gnomAD v4.1: 12 of 1,597,478 alleles (0.00075%); highest among the groups gnomAD compares: African/African-American, 0.015%; no homozygotes.

Submissions (2):

Labcorp Genetics (formerly Invitae), Labcorp
Classification: Likely benign. Last evaluated: 2025-10-09. Review status: criteria provided, single submitter. Criteria: Invitae Variant Classification Sherloc (09022015). Collection method: clinical testing. Allele origin: germline.

CeGaT Center for Human Genetics Tuebingen
Classification: Likely benign. Last evaluated: 2024-09-01. Review status: criteria provided, single submitter. Criteria: CeGaT Center For Human Genetics Tuebingen Variant Classification Criteria Version 2. Collection method: clinical testing. Allele origin: germline. Affected: yes. Observed: 1 variant allele.
Comment: RRAS2: BP4, BP7